The following is an entry in ClinVar:

NM_001040142.2(SCN2A):c.1360A>G (p.Lys454Glu)

Gene: SCN2A (sodium voltage-gated channel alpha subunit 2; plus strand). Cytogenetic location: 2q24.3.
Variant type: single nucleotide variant.
Coding change: c.1360A>G on transcript NM_001040142.2 (MANE Select); coding-DNA position 1360, A replaced by G.
Protein change: p.Lys454Glu; replaces lysine 454 with glutamic acid.
Molecular consequence: missense variant.
Genome position (GRCh38, 1-based): chr2:165,314,085, A>G. VCF-style: chr2-165314085-A-G. GRCh37 (hg19) VCF-style: chr2-166170595-A-G.
Other names: c.1360A>G, p.Lys454Glu (NM_001040143.2, NM_001371246.1, NM_001371247.1 and 1 more transcripts); short protein forms K454E.
Identifiers: ClinVar variation 2932881 (VCV002932881.3), dbSNP rs1553569081, ClinGen allele CA349022466.

ClinVar aggregate classification (germline): Uncertain significance (1 of 4 stars; one submission).

Conditions:
Seizures, benign familial infantile, 3 (BFIS3). Also called: CONVULSIONS, BENIGN FAMILIAL INFANTILE, 3; Familial neonatal seizures. Identifiers: Orphanet 140927, Orphanet 306, MedGen C1843140, MONDO:0011904, OMIM 607745.
Developmental and epileptic encephalopathy, 11 (DEE11). Also called: Early infantile epileptic encephalopathy 11. Identifiers: Orphanet 1934, MedGen C3150987, MONDO:0013388, OMIM 613721.

Allele frequency attached by ClinVar (database versions not stated): gnomAD exomes below 0.00001.
gnomAD v4.1: 3 of 1,613,480 alleles (0.00019%); highest among the groups gnomAD compares: Non-Finnish European, 0.00017%; no homozygotes.

Submission:

Labcorp Genetics (formerly Invitae), Labcorp
Classification: Uncertain significance for Seizures, benign familial infantile, 3; Developmental and epileptic encephalopathy, 11. Last evaluated: 2022-12-27. Review status: criteria provided, single submitter. Criteria: Invitae Variant Classification Sherloc (09022015). Collection method: clinical testing. Allele origin: germline.
Comment: In summary, the available evidence is currently insufficient to determine the role of this variant in disease. Therefore, it has been classified as a Variant of Uncertain Significance. Advanced modeling of protein sequence and biophysical properties (such as structural, functional, and spatial information, amino acid conservation, physicochemical variation, residue mobility, and thermodynamic stability) performed at Invitae indicates that this missense variant is expected to disrupt SCN2A protein function. This variant has not been reported in the literature in individuals affected with SCN2A-related conditions. This variant is not present in population databases (gnomAD no frequency). This sequence change replaces lysine, which is basic and polar, with glutamic acid, which is acidic and polar, at codon 454 of the SCN2A protein (p.Lys454Glu).